The following is an entry in ClinVar:

ClinVar aggregate classification (germline): Uncertain significance (1 of 4 stars; one submission).

Conditions:
Meckel-Gruber syndrome. Also called: DYSENCEPHALIA SPLANCHNOCYSTICA; GRUBER SYNDROME; Dysencephalia splachnocystica. Identifiers: Orphanet 564, MedGen C0265215, MONDO:0018921.
Joubert syndrome. Also called: CEREBELLOPARENCHYMAL DISORDER IV; JOUBERT-BOLTSHAUSER SYNDROME; Familial aplasia of the vermis. Identifiers: Orphanet 475, MedGen C5979921, MONDO:0018772.

Allele frequency attached by ClinVar (database versions not stated): gnomAD exomes below 0.00001.
gnomAD v4.1: 1 of 1,614,130 alleles (0.000062%); highest among the groups gnomAD compares: Non-Finnish European, 0.000085%; no homozygotes.

Submission:

Labcorp Genetics (formerly Invitae), Labcorp
Classification: Uncertain significance for Joubert syndrome; Meckel-Gruber syndrome. Last evaluated: 2021-06-28. Review status: criteria provided, single submitter. Criteria: Invitae Variant Classification Sherloc (09022015). Collection method: clinical testing. Allele origin: germline.
Comment: This variant is not present in population databases (ExAC no frequency). This sequence change replaces arginine with serine at codon 70 of the TMEM67 protein (p.Arg70Ser). The arginine residue is weakly conserved and there is a moderate physicochemical difference between arginine and serine. In summary, the available evidence is currently insufficient to determine the role of this variant in disease. Therefore, it has been classified as a Variant of Uncertain Significance. Advanced modeling of protein sequence and biophysical properties (such as structural, functional, and spatial information, amino acid conservation, physicochemical variation, residue mobility, and thermodynamic stability) performed at Invitae indicates that this missense variant is not expected to disrupt TMEM67 protein function. This variant has not been reported in the literature in individuals affected with TMEM67-related conditions.

NM_153704.6(TMEM67):c.210G>C (p.Arg70Ser)

Gene: TMEM67 (transmembrane protein 67; plus strand). Cytogenetic location: 8q22.1.
Variant type: single nucleotide variant.
Coding change: c.210G>C on transcript NM_153704.6 (MANE Select); coding-DNA position 210, G replaced by C.
Protein change: p.Arg70Ser; replaces arginine 70 with serine.
Molecular consequence: missense variant. On other transcripts: 5 prime UTR variant (1), non-coding transcript variant (1).
Genome position (GRCh38, 1-based): chr8:93,755,124, G>C. VCF-style: chr8-93755124-G-C. GRCh37 (hg19) VCF-style: chr8-94767352-G-C.
Other names: c.-75G>C (NM_001142301.1); short protein forms R70S.
Identifiers: ClinVar variation 1507580 (VCV001507580.8), dbSNP rs2130523134, ClinGen allele CA371685480.